The following is an entry in ClinVar:

NM_030777.4(SLC2A10):c.877C>T (p.Arg293Cys)

Gene: SLC2A10 (solute carrier family 2 member 10; plus strand). Cytogenetic location: 20q13.12.
Variant type: single nucleotide variant.
Coding change: c.877C>T on transcript NM_030777.4 (MANE Select); coding-DNA position 877, C replaced by T.
Protein change: p.Arg293Cys; replaces arginine 293 with cysteine.
Molecular consequence: missense variant.
Genome position (GRCh38, 1-based): chr20:46,725,913, C>T. VCF-style: chr20-46725913-C-T. GRCh37 (hg19) VCF-style: chr20-45354552-C-T.
Other names: c.877C>T (NM_030777.3); short protein forms R293C.
Identifiers: ClinVar variation 1046726 (VCV001046726.7), dbSNP rs539783215, ClinGen allele CA9892062.

ClinVar aggregate classification (germline): Uncertain significance. Review status: criteria provided, multiple submitters, no conflicts (2 of 4 stars). 2 submissions from 2 submitters: Uncertain significance (2). Last evaluated 2025-06-27.

Conditions:
Arterial tortuosity syndrome (ATORS). Identifiers: Orphanet 3342, MedGen C1859726, MONDO:0008818, OMIM 208050.
Familial thoracic aortic aneurysm and aortic dissection (TAAD). Also called: Thoracic aortic aneurysms and dissections. Identifiers: Orphanet 91387, MedGen C4707243, MONDO:0019625.

Allele frequency attached by ClinVar (database versions not stated): gnomAD 0.00001; ExAC 0.00002; gnomAD exomes 0.00002; 1000 Genomes Project 0.00020; 1000 Genomes Project 30x 0.00031.
gnomAD v4.1: 26 of 1,614,078 alleles (0.0016%); highest among the groups gnomAD compares: Admixed American, 0.0033%; no homozygotes.

Submissions (2):

Ambry Genetics
Classification: Uncertain significance for Familial thoracic aortic aneurysm and aortic dissection. Last evaluated: 2025-06-27. Review status: criteria provided, single submitter. Criteria: Ambry Variant Classification Scheme 2023. Collection method: clinical testing. Allele origin: germline.
Comment: The p.R293C variant (also known as c.877C>T), located in coding exon 2 of the SLC2A10 gene, results from a C to T substitution at nucleotide position 877. The arginine at codon 293 is replaced by cysteine, an amino acid with highly dissimilar properties. This amino acid position is well conserved in available vertebrate species. In addition, the in silico prediction for this alteration is inconclusive. Based on the available evidence, the clinical significance of this variant remains unclear.

Labcorp Genetics (formerly Invitae), Labcorp
Classification: Uncertain significance for Arterial tortuosity syndrome. Last evaluated: 2022-07-20. Review status: criteria provided, single submitter. Criteria: Invitae Variant Classification Sherloc (09022015). Collection method: clinical testing. Allele origin: germline.
Comment: This sequence change replaces arginine, which is basic and polar, with cysteine, which is neutral and slightly polar, at codon 293 of the SLC2A10 protein (p.Arg293Cys). This variant is present in population databases (rs539783215, gnomAD 0.003%). This variant has not been reported in the literature in individuals affected with SLC2A10-related conditions. ClinVar contains an entry for this variant (Variation ID: 1046726). Advanced modeling of protein sequence and biophysical properties (such as structural, functional, and spatial information, amino acid conservation, physicochemical variation, residue mobility, and thermodynamic stability) performed at Invitae indicates that this missense variant is expected to disrupt SLC2A10 protein function. In summary, the available evidence is currently insufficient to determine the role of this variant in disease. Therefore, it has been classified as a Variant of Uncertain Significance.